The following is an entry in ClinVar:

NM_000059.4(BRCA2):c.9973T>C (p.Phe3325Leu)

Gene: BRCA2 (BRCA2 DNA repair associated; plus strand). Cytogenetic location: 13q13.1.
Variant type: single nucleotide variant.
Coding change: c.9973T>C on transcript NM_000059.4 (MANE Select); coding-DNA position 9973, T replaced by C.
Protein change: p.Phe3325Leu; replaces phenylalanine 3325 with leucine.
Molecular consequence: missense variant.
Genome position (GRCh38, 1-based): chr13:32,398,486, T>C. VCF-style: chr13-32398486-T-C. GRCh37 (hg19) VCF-style: chr13-32972623-T-C.
Other names: short protein forms F3325L.
Identifiers: ClinVar variation 965195 (VCV000965195.12), dbSNP rs2073053849, ClinGen allele CA387767473.

ClinVar aggregate classification (germline): Conflicting classifications of pathogenicity. Review status: criteria provided, conflicting classifications (1 of 4 stars). 3 submissions from 3 submitters: Uncertain significance (2); Likely benign (1). Last evaluated 2025-05-16.

Conditions:
Hereditary cancer-predisposing syndrome. Also called: Hereditary neoplastic syndrome; Neoplastic Syndromes, Hereditary; Hereditary Cancer Syndrome; Tumor predisposition. Identifiers: Orphanet 140162, MedGen C0027672, MeSH D009386, MONDO:0015356.
Hereditary breast ovarian cancer syndrome. Also called: Hereditary breast and ovarian cancer; Hereditary breast and/or ovarian cancer syndrome; Hereditary breast and ovarian cancer syndrome; Hereditary breast and ovarian cancer syndrome (HBOC); Breast and ovarian cancer; BRCA1- and BRCA2-Associated Hereditary Breast and Ovarian Cancer. Identifiers: Orphanet 145, MedGen C0677776, MeSH D061325, MONDO:0003582. Disease mechanism: loss of function.

Submissions (3):

Ambry Genetics
Classification: Likely benign for Hereditary cancer-predisposing syndrome. Last evaluated: 2025-05-16. Review status: criteria provided, single submitter. Criteria: Ambry Variant Classification Scheme 2023. Collection method: clinical testing. Allele origin: germline.

Quest Diagnostics Nichols Institute San Juan Capistrano
Classification: Uncertain significance. Last evaluated: 2025-03-24. Review status: criteria provided, single submitter. Criteria: Quest Diagnostics criteria. Collection method: clinical testing. Allele origin: unknown.
Comment: The BRCA2 c.9973T>C (p.Phe3325Leu) variant has been reported in functional studies in published literature demonstrating the effect of this variant on protein function as inconclusive (PMID: 25451944 (2015), PMID: 29884841 (2019)).This variant has not been reported in large, multi-ethnic general populations (Genome Aggregation Database). Analysis of this variant using bioinformatics tools for the prediction of the effect of amino acid changes on protein structure and function yielded predictions that this variant is benign. Based on the available information, we are unable to determine the clinical significance of this variant.

Labcorp Genetics (formerly Invitae), Labcorp
Classification: Uncertain significance for Hereditary breast ovarian cancer syndrome. Last evaluated: 2020-12-24. Review status: criteria provided, single submitter. Criteria: Invitae Variant Classification Sherloc (09022015). Collection method: clinical testing. Allele origin: germline.
Comment: This variant has not been reported in the literature in individuals with BRCA2-related conditions. This variant is not present in population databases (ExAC no frequency). This sequence change replaces phenylalanine with leucine at codon 3325 of the BRCA2 protein (p.Phe3325Leu). The phenylalanine residue is weakly conserved and there is a small physicochemical difference between phenylalanine and leucine. Algorithms developed to predict the effect of missense changes on protein structure and function output the following: SIFT: "Tolerated"; PolyPhen-2: "Benign"; Align-GVGD: "Class C0". The leucine amino acid residue is found in multiple mammalian species, suggesting that this missense change does not adversely affect protein function. These predictions have not been confirmed by published functional studies and their clinical significance is uncertain. In summary, the available evidence is currently insufficient to determine the role of this variant in disease. Therefore, it has been classified as a Variant of Uncertain Significance.

Literature cited by the submitters: PubMed 29884841 (cited by Quest Diagnostics Nichols Institute San Juan Capistrano); PubMed 35729312 (cited by Quest Diagnostics Nichols Institute San Juan Capistrano); PubMed 25451944 (cited by Quest Diagnostics Nichols Institute San Juan Capistrano).